The following is an entry in ClinVar:

NM_144670.6(A2ML1):c.721T>G (p.Cys241Gly)

Gene: A2ML1 (alpha-2-macroglobulin like 1; plus strand). Cytogenetic location: 12p13.31.
Variant type: single nucleotide variant.
Coding change: c.721T>G on transcript NM_144670.6 (MANE Select); coding-DNA position 721, T replaced by G.
Protein change: p.Cys241Gly; replaces cysteine 241 with glycine.
Molecular consequence: missense variant.
Genome position (GRCh38, 1-based): chr12:8,836,332, T>G. VCF-style: chr12-8836332-T-G. GRCh37 (hg19) VCF-style: chr12-8988928-T-G.
Other names: short protein forms C241G.
Identifiers: ClinVar variation 2449326 (VCV002449326.3), dbSNP rs755860036, ClinGen allele CA6435400.

ClinVar aggregate classification (germline): Uncertain significance (1 of 4 stars; one submission).

Allele frequency attached by ClinVar (database versions not stated): gnomAD exomes 0.00001; ExAC 0.00002; TOPMed 0.00002; gnomAD 0.00005.
gnomAD v4.1: 28 of 1,613,734 alleles (0.0017%); highest among the groups gnomAD compares: Non-Finnish European, 0.0019%; no homozygotes.

Submission:

Ambry Genetics
Classification: Uncertain significance. Last evaluated: 2025-02-20. Review status: criteria provided, single submitter. Criteria: Ambry Variant Classification Scheme 2023. Collection method: clinical testing. Allele origin: germline.
Comment: The p.C241G variant (also known as c.721T>G), located in coding exon 7 of the A2ML1 gene, results from a T to G substitution at nucleotide position 721. The cysteine at codon 241 is replaced by glycine, an amino acid with highly dissimilar properties. This amino acid position is conserved. In addition, the in silico prediction for this alteration is inconclusive. Since supporting evidence is limited at this time, the clinical significance of this alteration remains unclear.